The following is an entry in ClinVar:

ClinVar aggregate classification (germline): Uncertain significance (1 of 4 stars; one submission).

Conditions:
Neuropathy, hereditary sensory and autonomic, type 2A (HSAN2A). Also called: ACROOSTEOLYSIS, GIACCAI TYPE; ACROOSTEOLYSIS, NEUROGENIC; MORVAN DISEASE; NEUROPATHY, CONGENITAL SENSORY; NEUROPATHY, HEREDITARY SENSORY RADICULAR, AUTOSOMAL RECESSIVE; NEUROPATHY, HEREDITARY SENSORY, TYPE IIA. Identifiers: Orphanet 970, MedGen C2752089, MONDO:0024309, OMIM 201300.
Generalized epilepsy with febrile seizures plus, type 7 (GEFSP7). Also called: GEFS+, TYPE 7. Identifiers: Orphanet 36387, MedGen C2751778, MONDO:0013470, OMIM 613863.

Submission:

Labcorp Genetics (formerly Invitae), Labcorp
Classification: Uncertain significance for Neuropathy, hereditary sensory and autonomic, type 2A; Generalized epilepsy with febrile seizures plus, type 7. Last evaluated: 2023-05-14. Review status: criteria provided, single submitter. Criteria: Invitae Variant Classification Sherloc (09022015). Collection method: clinical testing. Allele origin: germline.
Comment: This sequence change replaces phenylalanine, which is neutral and non-polar, with leucine, which is neutral and non-polar, at codon 1506 of the SCN9A protein (p.Phe1506Leu). This variant is not present in population databases (gnomAD no frequency). This variant has not been reported in the literature in individuals affected with SCN9A-related conditions. Advanced modeling of protein sequence and biophysical properties (such as structural, functional, and spatial information, amino acid conservation, physicochemical variation, residue mobility, and thermodynamic stability) has been performed at Invitae for this missense variant, however the output from this modeling did not meet the statistical confidence thresholds required to predict the impact of this variant on SCN9A protein function. In summary, the available evidence is currently insufficient to determine the role of this variant in disease. Therefore, it has been classified as a Variant of Uncertain Significance.

NM_001365536.1(SCN9A):c.4551T>A (p.Phe1517Leu)

Genes: SCN9A (sodium voltage-gated channel alpha subunit 9; minus strand), SCN1A-AS1 (SCN1A and SCN9A antisense RNA 1; plus strand). Cytogenetic location: 2q24.3.
Variant type: single nucleotide variant.
Coding change: c.4551T>A on transcript NM_001365536.1 (MANE Select); coding-DNA position 4551, T replaced by A.
Protein change: p.Phe1517Leu; replaces phenylalanine 1517 with leucine.
Molecular consequence: missense variant.
Genome position (GRCh38, 1-based): chr2:166,204,178, A>T on the plus strand (T>A on the coding strand, the complement: SCN9A is on the minus strand). VCF-style: chr2-166204178-A-T. GRCh37 (hg19) VCF-style: chr2-167060688-A-T.
Other names: c.4518T>A, p.Phe1506Leu (NM_002977.4); short protein forms F1506L, F1517L.
Identifiers: ClinVar variation 2947749 (VCV002947749.3), dbSNP rs2468896020, ClinGen allele CA349057935.